The following is an entry in ClinVar:

ClinVar aggregate classification (germline): Uncertain significance (1 of 4 stars; one submission).

Conditions:
Lethal multiple pterygium syndrome (LMPS). Identifiers: Orphanet 33108, MedGen C1854678, MONDO:0009668, OMIM 253290.

Allele frequency attached by ClinVar (database versions not stated): gnomAD exomes below 0.00001.

Submission:

Labcorp Genetics (formerly Invitae), Labcorp
Classification: Uncertain significance for Lethal multiple pterygium syndrome. Last evaluated: 2022-03-11. Review status: criteria provided, single submitter. Criteria: Invitae Variant Classification Sherloc (09022015). Collection method: clinical testing. Allele origin: germline.
Comment: This sequence change replaces leucine, which is neutral and non-polar, with proline, which is neutral and non-polar, at codon 10 of the CHRND protein (p.Leu10Pro). In summary, the available evidence is currently insufficient to determine the role of this variant in disease. Therefore, it has been classified as a Variant of Uncertain Significance. Algorithms developed to predict the effect of missense changes on protein structure and function are either unavailable or do not agree on the potential impact of this missense change (SIFT: "Deleterious"; PolyPhen-2: "Probably Damaging"; Align-GVGD: "Class C0"). This variant has not been reported in the literature in individuals affected with CHRND-related conditions. This variant is not present in population databases (gnomAD no frequency).

NM_000751.3(CHRND):c.29T>C (p.Leu10Pro)

Gene: CHRND (cholinergic receptor nicotinic delta subunit; plus strand). Cytogenetic location: 2q37.1.
Variant type: single nucleotide variant.
Coding change: c.29T>C on transcript NM_000751.3 (MANE Select); coding-DNA position 29, T replaced by C.
Protein change: p.Leu10Pro; replaces leucine 10 with proline.
Molecular consequence: missense variant. On other transcripts: 5 prime UTR variant (2).
Genome position (GRCh38, 1-based): chr2:232,526,244, T>C. VCF-style: chr2-232526244-T-C. GRCh37 (hg19) VCF-style: chr2-233390954-T-C.
Other names: c.29T>C, p.Leu10Pro (NM_001256657.2); c.-243T>C (NM_001311195.2, NM_001311196.2); short protein forms L10P.
Identifiers: ClinVar variation 2109504 (VCV002109504.4), dbSNP rs2469712477, ClinGen allele CA350995711.